The following is an entry in ClinVar:

ClinVar aggregate classification (germline): Pathogenic/Likely pathogenic. Review status: criteria provided, multiple submitters, no conflicts (2 of 4 stars). 2 submissions from 2 submitters: Pathogenic (1); Likely pathogenic (1). Last evaluated 2024-01-02.

Conditions:
Primary ciliary dyskinesia. Also called: Ciliary dyskinesia. Identifiers: Orphanet 244, MedGen C0008780, MONDO:0016575, HP:0012265.
Spermatogenic failure 46. Identifiers: MedGen C5436799, MONDO:0033673, OMIM 619095.

Allele frequency attached by ClinVar (database versions not stated): gnomAD 0.00001; TOPMed 0.00002; ExAC 0.00004; gnomAD exomes 0.00006.
gnomAD v4.1: 44 of 1,613,300 alleles (0.0027%); highest among the groups gnomAD compares: South Asian, 0.0066%; no homozygotes.

Submissions (2):

Revvity Omics, Revvity
Classification: Likely pathogenic for Spermatogenic failure 46. Last evaluated: 2024-01-02. Review status: criteria provided, single submitter. Criteria: ACMG Guidelines, 2015. Collection method: clinical testing. Allele origin: germline.

Labcorp Genetics (formerly Invitae), Labcorp
Classification: Pathogenic for Primary ciliary dyskinesia. Last evaluated: 2017-12-06. Review status: criteria provided, single submitter. Criteria: Invitae Variant Classification Sherloc (09022015). Collection method: clinical testing. Allele origin: germline.
Comment: For these reasons, this variant has been classified as Pathogenic. Loss-of-function variants in DNAH8 are known to be pathogenic (PMID: 24307375). This variant has not been reported in the literature in individuals with DNAH8-related disease. This variant is present in population databases (rs776176679, ExAC 0.006%). This sequence change creates a premature translational stop signal (p.Arg207*) in the DNAH8 gene. It is expected to result in an absent or disrupted protein product.

Literature cited by the submitters: PubMed 24307375 (cited by Labcorp Genetics (formerly Invitae), Labcorp).

NM_001206927.2(DNAH8):c.619C>T (p.Arg207Ter)

Gene: DNAH8 (dynein axonemal heavy chain 8; plus strand). Cytogenetic location: 6p21.2.
Variant type: single nucleotide variant.
Coding change: c.619C>T on transcript NM_001206927.2 (MANE Select); coding-DNA position 619, C replaced by T.
Protein change: p.Arg207Ter; replaces arginine 207 with a stop codon.
Molecular consequence: nonsense. On other transcripts: 5 prime UTR variant (1).
Genome position (GRCh38, 1-based): chr6:38,734,482, C>T. VCF-style: chr6-38734482-C-T. GRCh37 (hg19) VCF-style: chr6-38702258-C-T.
Other names: c.-33C>T (NM_001371.4); short protein forms R207*.
Identifiers: ClinVar variation 578003 (VCV000578003.8), dbSNP rs776176679, ClinGen allele CA3787999.